The following is an entry in ClinVar:

NM_000444.6(PHEX):c.1344C>T (p.Asp448=)

Gene: PHEX (phosphate regulating endopeptidase X-linked; plus strand). Cytogenetic location: Xp22.11.
Variant type: single nucleotide variant.
Coding change: c.1344C>T on transcript NM_000444.6 (MANE Select); coding-DNA position 1344, C replaced by T.
Protein change: p.Asp448=; no amino-acid change (aspartic acid 448 retained).
Molecular consequence: synonymous variant.
Genome position (GRCh38, 1-based): chrX:22,133,564, C>T. VCF-style: chrX-22133564-C-T. GRCh37 (hg19) VCF-style: chrX-22151681-C-T.
Other names: p.Asp448=; c.1344C>T, p.Asp448= (NM_001282754.2).
Identifiers: ClinVar variation 288052 (VCV000288052.17), dbSNP rs144911719, ClinGen allele CA10368225.

ClinVar aggregate classification (germline): Conflicting classifications of pathogenicity. Review status: criteria provided, conflicting classifications (1 of 4 stars). 5 submissions from 5 submitters: Uncertain significance (1); Benign (2); Likely benign (2). Last evaluated 2026-01-18.

Allele frequency attached by ClinVar (database versions not stated): gnomAD exomes 0.00021 and 0.00063; ExAC 0.00076; gnomAD 0.00229 and 0.00247; TOPMed 0.00265; ESP Exome Variant Server 0.00350; 1000 Genomes Project 0.00371; 1000 Genomes Project 30x 0.00416.
gnomAD v4.1: 496 of 1,207,312 alleles (0.041%); highest among the groups gnomAD compares: African/African-American, 0.77%; 2 homozygotes.

Submissions (5):

Labcorp Genetics (formerly Invitae), Labcorp
Classification: Benign. Last evaluated: 2026-01-18. Review status: criteria provided, single submitter. Criteria: Invitae Variant Classification Sherloc (09022015). Collection method: clinical testing. Allele origin: germline.

Mayo Clinic Laboratories, Mayo Clinic
Classification: Benign. Last evaluated: 2025-09-11. Review status: criteria provided, single submitter. Criteria: ACMG Guidelines, 2015. Collection method: clinical testing. Allele origin: germline. Observed: 1 variant allele.
Comment: BS1, BS2, BP4, BP7

Blueprint Genetics
Classification: Likely benign. Last evaluated: 2024-08-27. Review status: criteria provided, single submitter. Criteria: ACMG Guidelines, 2015. Collection method: clinical testing. Allele origin: germline.

GeneDx
Classification: Likely benign. Last evaluated: 2017-03-23. Review status: criteria provided, single submitter. Criteria: GeneDx Variant Classification (06012015). Collection method: clinical testing. Allele origin: germline. Affected: yes.
Comment: This variant is considered likely benign or benign based on one or more of the following criteria: it is a conservative change, it occurs at a poorly conserved position in the protein, it is predicted to be benign by multiple in silico algorithms, and/or has population frequency not consistent with disease.

Eurofins Ntd Llc (ga)
Classification: Uncertain significance. Last evaluated: 2016-06-14. Review status: criteria provided, single submitter. Criteria: EGL Classification Definitions 2015. Collection method: clinical testing. Allele origin: germline. Observed: 1 variant allele, 1 heterozygote.